The following is an entry in ClinVar:

ClinVar aggregate classification (germline): Uncertain significance (1 of 4 stars; one submission).

Submission:

Labcorp Genetics (formerly Invitae), Labcorp
Classification: Uncertain significance. Last evaluated: 2022-04-22. Review status: criteria provided, single submitter. Criteria: Invitae Variant Classification Sherloc (09022015). Collection method: clinical testing. Allele origin: germline.
Comment: This sequence change replaces leucine, which is neutral and non-polar, with proline, which is neutral and non-polar, at codon 286 of the IMPDH1 protein (p.Leu286Pro). This variant is not present in population databases (gnomAD no frequency). This variant has not been reported in the literature in individuals affected with IMPDH1-related conditions. Algorithms developed to predict the effect of missense changes on protein structure and function (SIFT, PolyPhen-2, Align-GVGD) all suggest that this variant is likely to be disruptive. In summary, the available evidence is currently insufficient to determine the role of this variant in disease. Therefore, it has been classified as a Variant of Uncertain Significance.

NM_000883.4(IMPDH1):c.857T>C (p.Leu286Pro)

Gene: IMPDH1 (inosine monophosphate dehydrogenase 1; minus strand). Cytogenetic location: 7q32.1.
Variant type: single nucleotide variant.
Coding change: c.857T>C on transcript NM_000883.4 (MANE Select); coding-DNA position 857, T replaced by C.
Protein change: p.Leu286Pro; replaces leucine 286 with proline.
Molecular consequence: missense variant.
Genome position (GRCh38, 1-based): chr7:128,400,112, A>G on the plus strand (T>C on the coding strand, the complement: IMPDH1 is on the minus strand). VCF-style: chr7-128400112-A-G. GRCh37 (hg19) VCF-style: chr7-128040166-A-G.
Other names: c.827T>C, p.Leu276Pro (NM_001102605.2); c.602T>C, p.Leu201Pro (NM_001142573.2); c.587T>C, p.Leu196Pro (NM_001142574.2); c.527T>C, p.Leu176Pro (NM_001142575.2); c.758T>C, p.Leu253Pro (NM_001142576.2); c.650T>C, p.Leu217Pro (NM_001304521.2); c.749T>C, p.Leu250Pro (NM_183243.3); short protein forms L176P, L196P, L276P, L201P, L253P, L217P, L250P, L286P.
Identifiers: ClinVar variation 1485466 (VCV001485466.6), dbSNP rs2116656729, ClinGen allele CA369170600.
Genomic context (GRCh38, chr7:128,400,112, plus strand): 5'-GGAGTCAGGCTGGGGGTTGAGTTTTCAACTAGCTCCCTGGTACCTTTCTTGCTACGCTGC[A>G]GGATCTCATTTGCCTCTTTCAACGTCACACCTGCTGGAGCCACCACCAGTTCAATCCTTG-3'
Protein context (NP_000874.2, residues 276-296): GVTLKEANEI[Leu286Pro]QRSKKGKLPI